The following is an entry in ClinVar:

ClinVar aggregate classification (germline): Uncertain significance (1 of 4 stars; one submission).

Submission:

GeneDx
Classification: Uncertain significance. Last evaluated: 2025-04-18. Review status: criteria provided, single submitter. Criteria: GeneDx Variant Classification Process June 2021. Collection method: clinical testing. Allele origin: germline. Affected: yes.
Comment: Not observed at significant frequency in large population cohorts (gnomAD); In silico analysis supports that this missense variant has a deleterious effect on protein structure/function; Has not been previously published as pathogenic or benign to our knowledge

NM_001005273.3(CHD3):c.265G>A (p.Glu89Lys)

Gene: CHD3 (chromodomain helicase DNA binding protein 3; plus strand). Cytogenetic location: 17p13.1.
Variant type: single nucleotide variant.
Coding change: c.265G>A on transcript NM_001005273.3 (MANE Select); coding-DNA position 265, G replaced by A.
Protein change: p.Glu89Lys; replaces glutamic acid 89 with lysine.
Molecular consequence: missense variant.
Genome position (GRCh38, 1-based): chr17:7,890,622, G>A. VCF-style: chr17-7890622-G-A. GRCh37 (hg19) VCF-style: chr17-7793940-G-A.
Other names: c.442G>A, p.Glu148Lys (NM_001005271.3, NM_001437504.1, NM_001437507.1 and 2 more transcripts); c.265G>A, p.Glu89Lys (NM_005852.4); short protein forms E148K, E89K.
Identifiers: ClinVar variation 4282329 (VCV004282329.1).